The following is an entry in ClinVar:

NM_014727.3(KMT2B):c.145C>A (p.Arg49Ser)

Genes: KMT2B (lysine methyltransferase 2B; plus strand), LOC130064258 (ATAC-STARR-seq lymphoblastoid silent region 10535; plus strand). Cytogenetic location: 19q13.12.
Variant type: single nucleotide variant.
Coding change: c.145C>A on transcript NM_014727.3 (MANE Select); coding-DNA position 145, C replaced by A.
Protein change: p.Arg49Ser; replaces arginine 49 with serine.
Molecular consequence: missense variant.
Genome position (GRCh38, 1-based): chr19:35,718,163, C>A. VCF-style: chr19-35718163-C-A. GRCh37 (hg19) VCF-style: chr19-36209065-C-A.
Other names: short protein forms R49S.
Identifiers: ClinVar variation 1031291 (VCV001031291.1), dbSNP rs1969026886, ClinGen allele CA405374766.

ClinVar aggregate classification (germline): Uncertain significance (1 of 4 stars; one submission).

Conditions:
Dystonia 28, childhood-onset (DYT28). Also called: KMT2B-Related Dystonia (DYT-KMT2B). Identifiers: Orphanet 589618, MedGen C4310633, MONDO:0015004, OMIM 617284.

Submission:

Baylor Genetics
Classification: Uncertain significance for Dystonia 28, childhood-onset. Last evaluated: 2020-04-23. Review status: criteria provided, single submitter. Criteria: ACMG Guidelines, 2015. Collection method: clinical testing. Allele origin: unknown. Affected: yes.
Comment: This variant was determined to be of uncertain significance according to ACMG Guidelines, 2015 [PMID:25741868].